The following is an entry in ClinVar:

NM_198578.4(LRRK2):c.1810T>C (p.Cys604Arg)

Gene: LRRK2 (leucine rich repeat kinase 2; plus strand). Cytogenetic location: 12q12.
Variant type: single nucleotide variant.
Coding change: c.1810T>C on transcript NM_198578.4 (MANE Select); coding-DNA position 1810, T replaced by C.
Protein change: p.Cys604Arg; replaces cysteine 604 with arginine.
Molecular consequence: missense variant.
Genome position (GRCh38, 1-based): chr12:40,274,862, T>C. VCF-style: chr12-40274862-T-C. GRCh37 (hg19) VCF-style: chr12-40668664-T-C.
Other names: short protein forms C604R.
Identifiers: ClinVar variation 1780584 (VCV001780584.2), dbSNP rs2499624786, ClinGen allele CA384403325.
Genomic context (GRCh38, chr12:40,274,862, plus strand): 5'-ATTTTTCTTCAGTTTTGAGATTTAAAACAATTCTTTTTTTTTATTTTCCTAGAAATTCAG[T>C]GTCTGGGTTTAAGTCTTATAGGATACTTGATTACAAAGAAGAATGTGTTCATAGGAACTG-3'
Protein context (NP_940980.4, residues 594-614): QMYPDDQEIQ[Cys604Arg]LGLSLIGYLI

ClinVar aggregate classification (germline): Uncertain significance (1 of 4 stars; one submission).

Conditions:
Inborn genetic diseases. Identifiers: MedGen C0950123, MeSH D030342.

Submission:

Ambry Genetics
Classification: Uncertain significance for Inborn genetic diseases. Last evaluated: 2021-08-15. Review status: criteria provided, single submitter. Criteria: Ambry Variant Classification Scheme 2023. Collection method: clinical testing. Allele origin: germline.
Comment: The p.C604R variant (also known as c.1810T>C), located in coding exon 16 of the LRRK2 gene, results from a T to C substitution at nucleotide position 1810. The cysteine at codon 604 is replaced by arginine, an amino acid with highly dissimilar properties. This amino acid position is conserved. In addition, this alteration is predicted to be tolerated by in silico analysis. Since supporting evidence is limited at this time, the clinical significance of this alteration remains unclear.